The following is an entry in ClinVar:

NM_004304.5(ALK):c.2354G>A (p.Ser785Asn)

Gene: ALK (ALK receptor tyrosine kinase; minus strand). Cytogenetic location: 2p23.2.
Variant type: single nucleotide variant.
Coding change: c.2354G>A on transcript NM_004304.5 (MANE Select); coding-DNA position 2354, G replaced by A.
Protein change: p.Ser785Asn; replaces serine 785 with asparagine.
Molecular consequence: missense variant.
Genome position (GRCh38, 1-based): chr2:29,239,681, C>T on the plus strand (G>A on the coding strand, the complement: ALK is on the minus strand). VCF-style: chr2-29239681-C-T. GRCh37 (hg19) VCF-style: chr2-29462547-C-T.
Other names: short protein forms S785N.
Identifiers: ClinVar variation 655880 (VCV000655880.15), dbSNP rs1441640593, ClinGen allele CA346474165.
Genomic context (GRCh38, chr2:29,239,681, plus strand): 5'-AGAGGCCTTCCCGGGGCCTGACAGAGTGCAGACGAGAAACCCCTGCTCTGGGCACTTACA[C>T]TGGGGCAGGCGTCCTCTCCCTGCTGCCCAACCAGGATGTACAGCATGTCATCCTTCTCCA-3'
Protein context (NP_004295.2, residues 775-795): VGQQGEDACP[Ser785Asn]TNQLIQKVCI

ClinVar aggregate classification (germline): Uncertain significance. Review status: criteria provided, multiple submitters, no conflicts (2 of 4 stars). 3 submissions from 3 submitters: Uncertain significance (3). Last evaluated 2025-08-17.

Conditions:
Neuroblastoma, susceptibility to, 3. Also called: ALK-Related Neuroblastic Tumor Susceptibility. Identifiers: Orphanet 635, MedGen C2751681, MONDO:0013083, OMIM 613014.
Hereditary cancer-predisposing syndrome. Also called: Neoplastic Syndromes, Hereditary; Hereditary neoplastic syndrome; Hereditary Cancer Syndrome; Tumor predisposition. Identifiers: Orphanet 140162, MedGen C0027672, MeSH D009386, MONDO:0015356.

Allele frequency attached by ClinVar (database versions not stated): gnomAD exomes below 0.00001; TOPMed below 0.00001; gnomAD 0.00001.
gnomAD v4.1: 1 of 1,613,730 alleles (0.000062%); highest among the groups gnomAD compares: Non-Finnish European, 0.000085%; no homozygotes.

Submissions (3):

Labcorp Genetics (formerly Invitae), Labcorp
Classification: Uncertain significance for Neuroblastoma, susceptibility to, 3. Last evaluated: 2025-08-17. Review status: criteria provided, single submitter. Criteria: Invitae Variant Classification Sherloc (09022015). Collection method: clinical testing. Allele origin: germline.
Comment: This sequence change replaces serine, which is neutral and polar, with asparagine, which is neutral and polar, at codon 785 of the ALK protein (p.Ser785Asn). This variant is present in population databases (no rsID available, gnomAD 0.0009%). This variant has not been reported in the literature in individuals affected with ALK-related conditions. ClinVar contains an entry for this variant (Variation ID: 655880). An algorithm developed to predict the effect of missense changes on protein structure and function (PolyPhen-2) suggests that this variant is likely to be tolerated. In summary, the available evidence is currently insufficient to determine the role of this variant in disease. Therefore, it has been classified as a Variant of Uncertain Significance.

Ambry Genetics
Classification: Uncertain significance for Hereditary cancer-predisposing syndrome. Last evaluated: 2024-06-14. Review status: criteria provided, single submitter. Criteria: Ambry Variant Classification Scheme 2023. Collection method: clinical testing. Allele origin: germline.
Comment: The p.S785N variant (also known as c.2354G>A), located in coding exon 13 of the ALK gene, results from a G to A substitution at nucleotide position 2354. The serine at codon 785 is replaced by asparagine, an amino acid with highly similar properties. This amino acid position is conserved. In addition, this alteration is predicted to be tolerated by in silico analysis. Since supporting evidence is limited at this time, the clinical significance of this alteration remains unclear.

GeneDx
Classification: Uncertain significance. Last evaluated: 2024-01-21. Review status: criteria provided, single submitter. Criteria: GeneDx Variant Classification Process June 2021. Collection method: clinical testing. Allele origin: germline. Affected: yes.
Comment: Not observed at significant frequency in large population cohorts (gnomAD); In silico analysis supports that this missense variant does not alter protein structure/function; Has not been previously published as pathogenic or benign to our knowledge